The following is an entry in ClinVar:

NM_020312.4(COQ9):c.881G>T (p.Gly294Val)

Gene: COQ9 (coenzyme Q9; plus strand). Cytogenetic location: 16q21.
Variant type: single nucleotide variant.
Coding change: c.881G>T on transcript NM_020312.4 (MANE Select); coding-DNA position 881, G replaced by T.
Protein change: p.Gly294Val; replaces glycine 294 with valine.
Molecular consequence: missense variant.
Genome position (GRCh38, 1-based): chr16:57,460,064, G>T. VCF-style: chr16-57460064-G-T. GRCh37 (hg19) VCF-style: chr16-57493976-G-T.
Other names: short protein forms G294V.
Identifiers: ClinVar variation 2102357 (VCV002102357.4), dbSNP rs2543575896, ClinGen allele CA396030466.
Genomic context (GRCh38, chr16:57,460,064, plus strand): 5'-AACTTTGTGTTGGTGGCCTAAGGGAACCTGACACTGACTCCTTCTAGGTAAAGTCCACAG[G>T]AGAGGCACTGGTGCAAGGACTCATGGGTGCAGCAGTGACGGTGAGTACTGCCCAGCACAT-3'
Protein context (NP_064708.1, residues 284-304): GHTAKQVKST[Gly294Val]EALVQGLMGA

ClinVar aggregate classification (germline): Uncertain significance (1 of 4 stars; one submission).

Submission:

Labcorp Genetics (formerly Invitae), Labcorp
Classification: Uncertain significance. Last evaluated: 2022-02-23. Review status: criteria provided, single submitter. Criteria: Invitae Variant Classification Sherloc (09022015). Collection method: clinical testing. Allele origin: germline.
Comment: This sequence change replaces glycine, which is neutral and non-polar, with valine, which is neutral and non-polar, at codon 294 of the COQ9 protein (p.Gly294Val). This variant is not present in population databases (gnomAD no frequency). This variant has not been reported in the literature in individuals affected with COQ9-related conditions. Algorithms developed to predict the effect of missense changes on protein structure and function are either unavailable or do not agree on the potential impact of this missense change (SIFT: "Tolerated"; PolyPhen-2: "Probably Damaging"; Align-GVGD: "Class C0"). In summary, the available evidence is currently insufficient to determine the role of this variant in disease. Therefore, it has been classified as a Variant of Uncertain Significance.